The following is an entry in ClinVar:

ClinVar aggregate classification (germline): Uncertain significance (1 of 4 stars; one submission).

Conditions:
Joubert syndrome 21 (JBTS21). Identifiers: MedGen C3810212, MONDO:0014288, OMIM 615636.

Submission:

Labcorp Genetics (formerly Invitae), Labcorp
Classification: Uncertain significance for Joubert syndrome 21. Last evaluated: 2019-10-23. Review status: criteria provided, single submitter. Criteria: Invitae Variant Classification Sherloc (09022015). Collection method: clinical testing. Allele origin: germline.
Comment: This variant is a gross duplication of the genomic region encompassing exons 9-29 of the CSPP1 gene. The 5' boundary is likely confined to intron 8. The 3' end of this event is unknown as it extends beyond the assayed region for this gene and therefore may encompass additional genes. The exact location of this variant in the genome is unknown. This variant has not been reported in the literature in individuals with CSPP1-related disease. Experimental studies are not available for this variant, and the functional significance of the duplicated exons is currently unknown. In summary, the available evidence is currently insufficient to determine the role of this variant in disease. Therefore, it has been classified as a Variant of Uncertain Significance.

NC_000008.11:g.(?_67111972)_(67218138_?)dup

Genes: ARFGEF1 (ARF guanine nucleotide exchange factor 1; minus strand), CSPP1 (centrosome and spindle pole associated protein 1; plus strand). Cytogenetic location: 8q13.2.
Variant type: Duplication.
Identifiers: ClinVar variation 831919 (VCV000831919.2).